The following is an entry in ClinVar:

ClinVar aggregate classification (germline): Uncertain significance (1 of 4 stars; one submission).

Conditions:
Hereditary breast ovarian cancer syndrome. Also called: Hereditary breast and/or ovarian cancer syndrome; Hereditary breast and ovarian cancer syndrome (HBOC); Breast and ovarian cancer; Hereditary breast and ovarian cancer syndrome; Hereditary breast and ovarian cancer; BRCA1- and BRCA2-Associated Hereditary Breast and Ovarian Cancer. Identifiers: Orphanet 145, MedGen C0677776, MeSH D061325, MONDO:0003582. Disease mechanism: loss of function.

Submission:

Labcorp Genetics (formerly Invitae), Labcorp
Classification: Uncertain significance for Hereditary breast ovarian cancer syndrome. Last evaluated: 2024-10-02. Review status: criteria provided, single submitter. Criteria: Invitae Variant Classification Sherloc (09022015). Collection method: clinical testing. Allele origin: germline.
Comment: This sequence change replaces threonine, which is neutral and polar, with serine, which is neutral and polar, at codon 1116 of the BRCA2 protein (p.Thr1116Ser). This variant is not present in population databases (gnomAD no frequency). This variant has not been reported in the literature in individuals affected with BRCA2-related conditions. Invitae Evidence Modeling of protein sequence and biophysical properties (such as structural, functional, and spatial information, amino acid conservation, physicochemical variation, residue mobility, and thermodynamic stability) indicates that this missense variant is not expected to disrupt BRCA2 protein function with a negative predictive value of 95%. In summary, the available evidence is currently insufficient to determine the role of this variant in disease. Therefore, it has been classified as a Variant of Uncertain Significance.

NM_000059.4(BRCA2):c.3347C>G (p.Thr1116Ser)

Gene: BRCA2 (BRCA2 DNA repair associated; plus strand). Cytogenetic location: 13q13.1.
Variant type: single nucleotide variant.
Coding change: c.3347C>G on transcript NM_000059.4 (MANE Select); coding-DNA position 3347, C replaced by G.
Protein change: p.Thr1116Ser; replaces threonine 1116 with serine.
Molecular consequence: missense variant. On other transcripts: non-coding transcript variant (1), intron variant (2).
Genome position (GRCh38, 1-based): chr13:32,337,702, C>G. VCF-style: chr13-32337702-C-G. GRCh37 (hg19) VCF-style: chr13-32911839-C-G.
Other names: c.3347C>G, p.Thr1116Ser (NM_001406719.1, NM_001406720.1); c.1909+4315C>G (NM_001406721.1); c.424+6672C>G (NM_001406722.1); short protein forms T1116S.
Identifiers: ClinVar variation 2701978 (VCV002701978.3), dbSNP rs2072478227, ClinGen allele CA387776331.